The following is an entry in ClinVar:

NM_001625.4(AK2):c.425+1G>T

Gene: AK2 (adenylate kinase 2; minus strand). Cytogenetic location: 1p35.1.
Variant type: single nucleotide variant.
Coding change: c.425+1G>T on transcript NM_001625.4 (MANE Select); the canonical splice donor site of the intron after coding-DNA position 425, G replaced by T.
Molecular consequence: splice donor variant. On other transcripts: intron variant (2).
Genome position (GRCh38, 1-based): chr1:33,021,366, C>A on the plus strand (G>T on the coding strand, the complement: AK2 is on the minus strand). VCF-style: chr1-33021366-C-A. GRCh37 (hg19) VCF-style: chr1-33486967-C-A.
Other names: c.425+1G>T (NM_013411.5, NM_001319141.3); c.299+1G>T (NM_001319142.3); c.330+227G>T (NM_001319143.2); c.401+25G>T (NM_001199199.3); c.281+1G>T (NM_001319139.3, NM_001319140.2).
Identifiers: ClinVar variation 3724971 (VCV003724971.2).

ClinVar aggregate classification (germline): Likely pathogenic (1 of 4 stars; one submission).

Conditions:
Reticular dysgenesis. Also called: ALEUKOCYTOSIS; CONGENITAL ALEUKIA; HEMATOPOIETIC HYPOPLASIA, GENERALIZED; RETICULAR DYSGENESIA; SEVERE COMBINED IMMUNODEFICIENCY WITH LEUKOPENIA; DeVaal disease. Identifiers: Orphanet 33355, MedGen C0272167, MONDO:0009973, OMIM 267500.

Submission:

Labcorp Genetics (formerly Invitae), Labcorp
Classification: Likely pathogenic for Reticular dysgenesis. Last evaluated: 2024-11-11. Review status: criteria provided, single submitter. Criteria: Invitae Variant Classification Sherloc (09022015). Collection method: clinical testing. Allele origin: germline.
Comment: This sequence change affects a donor splice site in intron 4 of the AK2 gene. It is expected to disrupt RNA splicing. Variants that disrupt the donor or acceptor splice site typically lead to a loss of protein function (PMID: 16199547), and loss-of-function variants in AK2 are known to be pathogenic (PMID: 19043416, 19043417, 19414857). This variant is not present in population databases (gnomAD no frequency). This variant has not been reported in the literature in individuals affected with AK2-related conditions. Algorithms developed to predict the effect of sequence changes on RNA splicing suggest that this variant may disrupt the consensus splice site. In summary, the currently available evidence indicates that the variant is pathogenic, but additional data are needed to prove that conclusively. Therefore, this variant has been classified as Likely Pathogenic.

Literature cited by the submitters: PubMed 16199547; PubMed 19043416; PubMed 19043417; PubMed 19414857.